The following is an entry in ClinVar:

NM_007294.4(BRCA1):c.2398_2401del (p.Lys800fs)

Gene: BRCA1 (BRCA1 DNA repair associated; minus strand). Cytogenetic location: 17q21.31.
Variant type: Microsatellite.
Coding change: c.2398_2401del on transcript NM_007294.4 (MANE Select); coding-DNA positions 2398 to 2401, 4 bases deleted (AAAT; older notation c.2398_2401delAAAT).
Protein change: p.Lys800fs; shifts the reading frame from lysine 800.
Molecular consequence: frameshift variant. On other transcripts: intron variant (137).
Genome position (GRCh38, 1-based): chr17:43,093,130-43,093,133, ATTT deleted on the plus strand (AAAT on the coding strand, the reverse complement: BRCA1 is on the minus strand); deleting any 4 consecutive bases within chr17:43,093,130-43,093,137 gives the same sequence; the c. name uses the placement nearest the transcript's 3' end. VCF-style (leftmost placement, unchanged base first): chr17-43093129-CATTT-C. GRCh37 (hg19) VCF-style: chr17-41245146-CATTT-C.
Other names: c.2398_2401delAAAT (NM_007294.3); c.2275_2278del, p.Lys759fs (NM_001407666.1, NM_001407667.1, NM_001407668.1 and 19 more transcripts); c.2272_2275del, p.Lys758fs (NM_001407670.1, NM_001407671.1, NM_001407672.1 and 11 more transcripts); c.2398_2401del, p.Lys800fs (NM_001407684.1, NM_001407854.1, NM_001407858.1 and 30 more transcripts); c.2257_2260del, p.Lys753fs (NM_001407692.1, NM_001407694.1, NM_001407695.1 and 29 more transcripts); c.2254_2257del, p.Lys752fs (NM_001407740.1, NM_001407741.1, NM_001407742.1 and 20 more transcripts); c.2185_2188del, p.Lys729fs (NM_001407853.1, NM_001407894.1, NM_001407895.1 and 9 more transcripts); c.2395_2398del, p.Lys799fs (NM_001407860.1, NM_001407861.1, NM_001407587.1 and 22 more transcripts); and 42 more; short protein forms K753fs, K800fs, K632fs, K672fs, K688fs, K729fs, K759fs, K774fs.
Identifiers: ClinVar variation 186090 (VCV000186090.23), dbSNP rs786202684, ClinGen allele CA001595.

ClinVar aggregate classification (germline): Pathogenic. Review status: reviewed by expert panel (3 of 4 stars). 5 submissions from 5 submitters: Pathogenic (1). 4 of the submissions do not count toward it. Last evaluated 2016-09-08.

Conditions:
Hereditary cancer-predisposing syndrome. Also called: Hereditary Cancer Syndrome; Hereditary neoplastic syndrome; Tumor predisposition; Neoplastic Syndromes, Hereditary. Identifiers: Orphanet 140162, MedGen C0027672, MeSH D009386, MONDO:0015356.
Hereditary breast ovarian cancer syndrome. Also called: Hereditary breast and ovarian cancer syndrome; Hereditary breast and ovarian cancer syndrome (HBOC); BRCA1- and BRCA2-Associated Hereditary Breast and Ovarian Cancer; Breast and ovarian cancer; Hereditary breast and ovarian cancer; Hereditary breast and/or ovarian cancer syndrome. Identifiers: Orphanet 145, MedGen C0677776, MeSH D061325, MONDO:0003582. Disease mechanism: loss of function.
Fanconi anemia, complementation group S (FANCS). Identifiers: MedGen C4554406, MONDO:0054748, OMIM 617883.
Breast-ovarian cancer, familial, susceptibility to, 1 (BROVCA1). Also called: OVARIAN CANCER, SUSCEPTIBILITY TO; BRCA1 Hereditary Breast and Ovarian Cancer. Identifiers: Orphanet 145, MedGen C2676676, MONDO:0011450, OMIM 604370. Disease mechanism: loss of function.

Submissions (5):

Evidence-based Network for the Interpretation of Germline Mutant Alleles (ENIGMA)
Classification: Pathogenic for Breast-ovarian cancer, familial, susceptibility to, 1. Last evaluated: 2016-09-08. Review status: reviewed by expert panel. Criteria: ENIGMA BRCA1/2 Classification Criteria (2015). Collection method: curation. Allele origin: germline.
Comment: Variant allele predicted to encode a truncated non-functional protein.

Labcorp Genetics (formerly Invitae), Labcorp
Classification: Pathogenic for Hereditary breast ovarian cancer syndrome. Last evaluated: 2023-02-25. Review status: criteria provided, single submitter. Criteria: Invitae Variant Classification Sherloc (09022015). Collection method: clinical testing. Allele origin: germline. Not counted in ClinVar's aggregate classification.
Comment: For these reasons, this variant has been classified as Pathogenic. ClinVar contains an entry for this variant (Variation ID: 186090). This premature translational stop signal has been observed in individual(s) with BRCA1-related conditions (PMID: 21520333). This variant is not present in population databases (gnomAD no frequency). This sequence change creates a premature translational stop signal (p.Lys800Valfs*2) in the BRCA1 gene. It is expected to result in an absent or disrupted protein product. Loss-of-function variants in BRCA1 are known to be pathogenic (PMID: 20104584).

Department of Pathology and Laboratory Medicine, Sinai Health System
Classification: Pathogenic for Fanconi anemia, complementation group S. Last evaluated: 2021-09-23. Review status: criteria provided, single submitter. Criteria: ACMG Guidelines, 2015. Collection method: clinical testing. Allele origin: germline. Not counted in ClinVar's aggregate classification.

Ambry Genetics
Classification: Pathogenic for Hereditary cancer-predisposing syndrome. Last evaluated: 2019-09-18. Review status: criteria provided, single submitter. Criteria: Ambry Variant Classification Scheme 2023. Collection method: clinical testing. Allele origin: germline. Not counted in ClinVar's aggregate classification.
Comment: The c.2398_2401delAAAT pathogenic mutation, located in coding exon 9 of the BRCA1 gene, results from a deletion of 4 nucleotides at nucleotide positions 2398 to 2401, causing a translational frameshift with a predicted alternate stop codon (p.K800Vfs*2). This alteration is expected to result in loss of function by premature protein truncation or nonsense-mediated mRNA decay. As such, this alteration is interpreted as a disease-causing mutation.

ARUP Laboratories, Molecular Genetics and Genomics, ARUP Laboratories
Classification: Pathogenic. Last evaluated: 2018-10-11. Review status: criteria provided, single submitter. Criteria: ARUP Molecular Germline Variant Investigation Process. Collection method: clinical testing. Allele origin: germline. Not counted in ClinVar's aggregate classification.
Comment: The BRCA1 c.2398_2401delAAAT; p.Lys800fs (rs786202684), to our knowledge, is not described in the medical literature but is reported as pathogenic in ClinVar (Variation ID: 186090). It is also absent from general population databases (1000 Genomes Project, Exome Variant Server, and Genome Aggregation Database), indicating it is not a common polymorphism. This variant causes a frameshift by deleting 4 nucleotides, so it is predicted to result in a truncated protein or mRNA subject to nonsense-mediated decay. Additionally, several downstream truncating variants have been described in association with hereditary breast and ovarian cancer and are considered pathogenic (Couch 1996, Friedman 1994, Sun 2017). Based on available information, the p.Lys800fs variant is considered pathogenic. REFERENCES Couch F et al. Mutations and polymorphisms in the familial early-onset breast cancer (BRCA1) gene. Breast Cancer Information Core. Hum Mutat. 1996;8(1):8-18. Friedman L et al. Confirmation of BRCA1 by analysis of germline mutations linked to breast and ovarian cancer in ten families. Nat Genet. 1994 Dec;8(4):399-404. Sun J et al. Germline Mutations in Cancer Susceptibility Genes in a Large Series of Unselected Breast Cancer Patients. Clin Cancer Res. 2017 Oct 15;23(20):6113-6119.

Literature cited by the submitters: PubMed 21520333 (cited by Labcorp Genetics (formerly Invitae), Labcorp); PubMed 20104584 (cited by Labcorp Genetics (formerly Invitae), Labcorp).